The following is an entry in ClinVar:

NM_025074.7(FRAS1):c.3916C>G (p.Gln1306Glu)

Gene: FRAS1 (Fraser extracellular matrix complex subunit 1; plus strand). Cytogenetic location: 4q21.21.
Variant type: single nucleotide variant.
Coding change: c.3916C>G on transcript NM_025074.7 (MANE Select); coding-DNA position 3916, C replaced by G.
Protein change: p.Gln1306Glu; replaces glutamine 1306 with glutamic acid.
Molecular consequence: missense variant.
Genome position (GRCh38, 1-based): chr4:78,387,642, C>G. VCF-style: chr4-78387642-C-G. GRCh37 (hg19) VCF-style: chr4-79308796-C-G.
Other names: c.3916C>G, p.Gln1306Glu (NM_001166133.2); short protein forms Q1306E.
Identifiers: ClinVar variation 1503599 (VCV001503599.8), dbSNP rs777308687, ClinGen allele CA357377428.

ClinVar aggregate classification (germline): Uncertain significance (1 of 4 stars; one submission).

Allele frequency attached by ClinVar (database versions not stated): gnomAD 0.00001.
gnomAD v4.1: 1 of 1,604,514 alleles (0.000062%); highest among the groups gnomAD compares: African/African-American, 0.0013%; no homozygotes.

Submission:

Labcorp Genetics (formerly Invitae), Labcorp
Classification: Uncertain significance. Last evaluated: 2022-06-27. Review status: criteria provided, single submitter. Criteria: Invitae Variant Classification Sherloc (09022015). Collection method: clinical testing. Allele origin: germline.
Comment: Algorithms developed to predict the effect of missense changes on protein structure and function are either unavailable or do not agree on the potential impact of this missense change (SIFT: "Deleterious"; PolyPhen-2: "Possibly Damaging"; Align-GVGD: "Class C0"). This sequence change replaces glutamine, which is neutral and polar, with glutamic acid, which is acidic and polar, at codon 1306 of the FRAS1 protein (p.Gln1306Glu). This variant is present in population databases (no rsID available, gnomAD 0.01%). This variant has not been reported in the literature in individuals affected with FRAS1-related conditions. In summary, the available evidence is currently insufficient to determine the role of this variant in disease. Therefore, it has been classified as a Variant of Uncertain Significance.